The following is an entry in ClinVar:

ClinVar aggregate classification (germline): Uncertain significance (1 of 4 stars; one submission).

Submission:

Labcorp Genetics (formerly Invitae), Labcorp
Classification: Uncertain significance. Last evaluated: 2022-03-18. Review status: criteria provided, single submitter. Criteria: Invitae Variant Classification Sherloc (09022015). Collection method: clinical testing. Allele origin: germline.
Comment: In summary, the available evidence is currently insufficient to determine the role of this variant in disease. Therefore, it has been classified as a Variant of Uncertain Significance. Algorithms developed to predict the effect of sequence changes on RNA splicing suggest that this variant may create or strengthen a splice site. This sequence change replaces leucine, which is neutral and non-polar, with valine, which is neutral and non-polar, at codon 816 of the LZTR1 protein (p.Leu816Val). This variant is not present in population databases (gnomAD no frequency). This variant has not been reported in the literature in individuals affected with LZTR1-related conditions. Algorithms developed to predict the effect of missense changes on protein structure and function are either unavailable or do not agree on the potential impact of this missense change (SIFT: "Tolerated"; PolyPhen-2: "Possibly Damaging"; Align-GVGD: "Class C0").

NM_006767.4(LZTR1):c.2446C>G (p.Leu816Val)

Gene: LZTR1 (leucine zipper like post translational regulator 1; plus strand). Cytogenetic location: 22q11.21.
Variant type: single nucleotide variant.
Coding change: c.2446C>G on transcript NM_006767.4 (MANE Select); coding-DNA position 2446, C replaced by G.
Protein change: p.Leu816Val; replaces leucine 816 with valine.
Molecular consequence: missense variant.
Genome position (GRCh38, 1-based): chr22:20,997,271, C>G. VCF-style: chr22-20997271-C-G. GRCh37 (hg19) VCF-style: chr22-21351560-C-G.
Other names: short protein forms L816V.
Identifiers: ClinVar variation 1425762 (VCV001425762.6), dbSNP rs2147970980, ClinGen allele CA410781652.
Genomic context (GRCh38, chr22:20,997,271, plus strand): 5'-TCCGGCCTGCTTGCCTTACAGGTCTCCAAGTTGCCCACCCTGCGGTCGCTGAGCCAGCAG[C>G]TGCTGCTGGACATCATAGACTCCCTGGCCTCCCACATCTCAGACAAGCAGTGCGCAGAGC-3'
Protein context (NP_006758.2, residues 806-826): LPTLRSLSQQ[Leu816Val]LLDIIDSLAS